The following is an entry in ClinVar:

ClinVar aggregate classification (germline): Uncertain significance (1 of 4 stars; one submission).

Conditions:
Early-infantile DEE. Also called: Early infantile epileptic encephalopathy; Early infantile epileptic encephalopathy with suppression bursts; Ohtahara syndrome. Identifiers: Orphanet 1934, MedGen C0393706, MONDO:0800491.

Submission:

Labcorp Genetics (formerly Invitae), Labcorp
Classification: Uncertain significance for Early-infantile DEE. Last evaluated: 2022-03-13. Review status: criteria provided, single submitter. Criteria: Invitae Variant Classification Sherloc (09022015). Collection method: clinical testing. Allele origin: germline.
Comment: In summary, the available evidence is currently insufficient to determine the role of this variant in disease. Therefore, it has been classified as a Variant of Uncertain Significance. Algorithms developed to predict the effect of sequence changes on RNA splicing suggest that this variant may disrupt the consensus splice site. Algorithms developed to predict the effect of missense changes on protein structure and function are either unavailable or do not agree on the potential impact of this missense change (SIFT: "Deleterious"; PolyPhen-2: "Probably Damaging"; Align-GVGD: "Class C0"). This variant has not been reported in the literature in individuals affected with SCN8A-related conditions. This variant is not present in population databases (gnomAD no frequency). This sequence change replaces arginine, which is basic and polar, with lysine, which is basic and polar, at codon 122 of the SCN8A protein (p.Arg122Lys).

NM_001330260.2(SCN8A):c.365G>A (p.Arg122Lys)

Gene: SCN8A (sodium voltage-gated channel alpha subunit 8; plus strand). Cytogenetic location: 12q13.13.
Variant type: single nucleotide variant.
Coding change: c.365G>A on transcript NM_001330260.2 (MANE Select); coding-DNA position 365, G replaced by A.
Protein change: p.Arg122Lys; replaces arginine 122 with lysine.
Molecular consequence: missense variant.
Genome position (GRCh38, 1-based): chr12:51,684,262, G>A. VCF-style: chr12-51684262-G-A. GRCh37 (hg19) VCF-style: chr12-52078046-G-A.
Other names: c.365G>A, p.Arg122Lys (NM_001177984.3, NM_001369788.1, NM_014191.4); short protein forms R122K.
Identifiers: ClinVar variation 2110754 (VCV002110754.4), dbSNP rs2540152217, ClinGen allele CA385221243.
Genomic context (GRCh38, chr12:51,684,262, plus strand): 5'-CTCTCTTCAGATTTAGTGCCACGCCTGCCTTGTACATTTTAAGTCCTTTTAACCTGATAA[G>A]AAGAATAGCTATTAAAATTTTGATACATTCATATCCTTTTCGGCAAATGTGGAGTGAGTG-3'
Protein context (NP_001317189.1, residues 112-132): LYILSPFNLI[Arg122Lys]RIAIKILIHS